The following is an entry in ClinVar:

ClinVar aggregate classification (germline): Pathogenic/Likely pathogenic. Review status: criteria provided, multiple submitters, no conflicts (2 of 4 stars). 3 submissions from 3 submitters: Pathogenic (1); Likely pathogenic (1). 1 of the submissions does not count toward it. Last evaluated 2022-06-18.

Conditions:
Charcot-Marie-Tooth disease, type I (CMT1). Also called: Charcot-Marie-Tooth disease type 1; Charcot-Marie-Tooth, Type 1. Identifiers: Orphanet 65753, MedGen C0751036, MONDO:0019011.
Dejerine-Sottas disease. Also called: Hereditary motor and sensory neuropathy 3; HMSN Type III; Charcot-Marie-Tooth disease type 3; DEJERINE-SOTTAS NEUROPATHY; HEREDITARY MOTOR AND SENSORY NEUROPATHY TYPE III. Identifiers: Orphanet 64748, MedGen C0011195, MONDO:0007790, OMIM 145900.

Submissions (3):

Labcorp Genetics (formerly Invitae), Labcorp
Classification: Pathogenic for Charcot-Marie-Tooth disease, type I. Last evaluated: 2022-06-18. Review status: criteria provided, single submitter. Criteria: Invitae Variant Classification Sherloc (09022015). Collection method: clinical testing. Allele origin: germline.
Comment: This missense change has been observed in individual(s) with Déjérine-Sottas syndrome and/or MPZ-related conditions (PMID: 9888385, 10084540, 34539730). In at least one individual the variant was observed to be de novo. This variant is not present in population databases (gnomAD no frequency). This sequence change replaces cysteine, which is neutral and slightly polar, with tyrosine, which is neutral and polar, at codon 127 of the MPZ protein (p.Cys127Tyr). This variant is also known as Cys98Tyr. For these reasons, this variant has been classified as Pathogenic. This variant disrupts the p.Cys127 amino acid residue in MPZ. Other variant(s) that disrupt this residue have been determined to be pathogenic (PMID: 33825325; Invitae). This suggests that this residue is clinically significant, and that variants that disrupt this residue are likely to be disease-causing. Algorithms developed to predict the effect of missense changes on protein structure and function (SIFT, PolyPhen-2, Align-GVGD) all suggest that this variant is likely to be disruptive. ClinVar contains an entry for this variant (Variation ID: 637350).

Beijing Key Laboratry for Genetics of Birth Defects, Beijing Children's Hospital
Classification: Likely pathogenic for Dejerine-Sottas disease. Last evaluated: 2020-02-28. Review status: criteria provided, single submitter. Criteria: ACMG Guidelines, 2015. Collection method: clinical testing. Allele origin: de novo. Affected: yes. Observed: 1 variant allele.

Inherited Neuropathy Consortium
Classification: Uncertain significance for Dejerine-Sottas disease. Review status: no assertion criteria provided. Collection method: literature only. Allele origin: germline. Affected: yes. Not counted in ClinVar's aggregate classification.

Literature cited by the submitters: PubMed 9888385 (cited by Labcorp Genetics (formerly Invitae), Labcorp and Inherited Neuropathy Consortium); PubMed 10084540 (cited by Labcorp Genetics (formerly Invitae), Labcorp); PubMed 34539730 (cited by Labcorp Genetics (formerly Invitae), Labcorp); PubMed 33825325 (cited by Labcorp Genetics (formerly Invitae), Labcorp).

NM_000530.8(MPZ):c.380G>A (p.Cys127Tyr)

Gene: MPZ (myelin protein zero; minus strand). Cytogenetic location: 1q23.3.
Variant type: single nucleotide variant.
Coding change: c.380G>A on transcript NM_000530.8 (MANE Select); coding-DNA position 380, G replaced by A.
Protein change: p.Cys127Tyr; replaces cysteine 127 with tyrosine.
Molecular consequence: missense variant.
Genome position (GRCh38, 1-based): chr1:161,306,776, C>T on the plus strand (G>A on the coding strand, the complement: MPZ is on the minus strand). VCF-style: chr1-161306776-C-T. GRCh37 (hg19) VCF-style: chr1-161276566-C-T.
Other names: c.380G>A, p.Cys127Tyr (NM_001315491.2); c.380G>A (LRG_256t1); short protein forms C127Y.
Identifiers: ClinVar variation 637350 (VCV000637350.7), dbSNP rs797044941, ClinGen allele CA343348880.